The following is an entry in ClinVar:

ClinVar aggregate classification (germline): Pathogenic (1 of 4 stars; one submission).

Conditions:
Sandhoff disease. Also called: Beta-hexosaminidase-beta-subunit deficiency; GM2 gangliosidosis, type 2; Total hexosaminidase deficiency; Sandhoff-Jatzkewitz-Pilz disease; GM2-GANGLIOSIDOSIS, TYPE II; HEXOSAMINIDASES A AND B DEFICIENCY. Identifiers: Orphanet 796, MedGen C0036161, MONDO:0010006, OMIM 268800.

gnomAD v4.1: 1 of 1,614,130 alleles (0.000062%); highest among the groups gnomAD compares: Non-Finnish European, 0.000085%; no homozygotes.

Submission:

Labcorp Genetics (formerly Invitae), Labcorp
Classification: Pathogenic for Sandhoff disease. Last evaluated: 2022-10-30. Review status: criteria provided, single submitter. Criteria: Invitae Variant Classification Sherloc (09022015). Collection method: clinical testing. Allele origin: germline.
Comment: For these reasons, this variant has been classified as Pathogenic. This variant disrupts a region of the HEXB protein in which other variant(s) (p.Tyr534*) have been determined to be pathogenic (PMID: 29448188, 30075786). This suggests that this is a clinically significant region of the protein, and that variants that disrupt it are likely to be disease-causing. ClinVar contains an entry for this variant (Variation ID: 1071217). This variant has not been reported in the literature in individuals affected with HEXB-related conditions. This variant is not present in population databases (gnomAD no frequency). This sequence change creates a premature translational stop signal (p.Tyr526*) in the HEXB gene. While this is not anticipated to result in nonsense mediated decay, it is expected to disrupt the last 31 amino acid(s) of the HEXB protein.

Literature cited by the submitters: PubMed 29448188; PubMed 30075786.

NM_000521.4(HEXB):c.1578T>G (p.Tyr526Ter)

Gene: HEXB (hexosaminidase subunit beta; plus strand). Cytogenetic location: 5q13.3.
Variant type: single nucleotide variant.
Coding change: c.1578T>G on transcript NM_000521.4 (MANE Select); coding-DNA position 1578, T replaced by G.
Protein change: p.Tyr526Ter; replaces tyrosine 526 with a stop codon.
Molecular consequence: nonsense.
Genome position (GRCh38, 1-based): chr5:74,720,712, T>G. VCF-style: chr5-74720712-T-G. GRCh37 (hg19) VCF-style: chr5-74016537-T-G.
Other names: c.903T>G, p.Tyr301Ter (NM_001292004.2); short protein forms Y301*, Y526*.
Identifiers: ClinVar variation 1071217 (VCV001071217.9), dbSNP rs1460801055, ClinGen allele CA360071502.
Genomic context (GRCh38, chr5:74,720,712, plus strand): 5'-AAGTGCTGTTGGTGAGAGACTCTGGAGTTCCAAAGATGTCAGAGATATGGATGACGCCTA[T>G]GACAGACTGACAAGGCACCGCTGCAGGATGGTCGAGTAAGAAATCTATTAAGTCCAGTGT-3'